The following is an entry in ClinVar:

NM_000548.5(TSC2):c.4850C>T (p.Ala1617Val)

Gene: TSC2 (TSC complex subunit 2; plus strand). Cytogenetic location: 16p13.3.
Variant type: single nucleotide variant.
Coding change: c.4850C>T on transcript NM_000548.5 (MANE Select); coding-DNA position 4850, C replaced by T.
Protein change: p.Ala1617Val; replaces alanine 1617 with valine.
Molecular consequence: missense variant.
Genome position (GRCh38, 1-based): chr16:2,086,732, C>T. VCF-style: chr16-2086732-C-T. GRCh37 (hg19) VCF-style: chr16-2136733-C-T.
Other names: c.4781C>T, p.Ala1594Val (NM_001114382.3); c.4541C>T, p.Ala1514Val (NM_001318827.2); c.4505C>T, p.Ala1502Val (NM_001318829.2); c.4118C>T, p.Ala1373Val (NM_001318831.2); c.4682C>T, p.Ala1561Val (NM_001318832.2); c.4652C>T, p.Ala1551Val (NM_001363528.2); c.4718C>T, p.Ala1573Val (NM_001370404.1); c.4721C>T, p.Ala1574Val (NM_001370405.1, NM_021055.3); and 1 more; short protein forms A1561V, A1573V, A1514V, A1373V, A1551V, A1594V, A1617V, A1502V.
Identifiers: ClinVar variation 1519622 (VCV001519622.10), dbSNP rs1412545821, ClinGen allele CA394308216.

ClinVar aggregate classification (germline): Uncertain significance. Review status: criteria provided, multiple submitters, no conflicts (2 of 4 stars). 3 submissions from 3 submitters: Uncertain significance (3). Last evaluated 2024-04-10.

Conditions:
Lymphangiomyomatosis (LAM). Also called: Lymphangioleiomyomatosis; Lymphangioleiomyomatosis, somatic. Identifiers: Orphanet 538, MedGen C0751674, MONDO:0011705, OMIM 606690.
Tuberous sclerosis 2 (TSC2). Identifiers: Orphanet 805, MedGen C1860707, MONDO:0013199, OMIM 613254.
Isolated focal cortical dysplasia type II (FCORD2). Also called: Focal cortical dysplasia type II; CORTICAL DYSPLASIA OF TAYLOR. Identifiers: Orphanet 268994, MedGen C1846385, MONDO:0011818, OMIM 607341, HP:0032051.
Hereditary cancer-predisposing syndrome. Also called: Tumor predisposition; Hereditary neoplastic syndrome; Neoplastic Syndromes, Hereditary; Hereditary Cancer Syndrome. Identifiers: Orphanet 140162, MedGen C0027672, MeSH D009386, MONDO:0015356.

Submissions (3):

Fulgent Genetics
Classification: Uncertain significance for Lymphangiomyomatosis; Isolated focal cortical dysplasia type II; Tuberous sclerosis 2. Last evaluated: 2024-04-10. Review status: criteria provided, single submitter. Criteria: ACMG Guidelines, 2015. Collection method: clinical testing. Allele origin: germline.

Labcorp Genetics (formerly Invitae), Labcorp
Classification: Uncertain significance for Tuberous sclerosis 2. Last evaluated: 2024-02-24. Review status: criteria provided, single submitter. Criteria: Invitae Variant Classification Sherloc (09022015). Collection method: clinical testing. Allele origin: germline.
Comment: This sequence change replaces alanine, which is neutral and non-polar, with valine, which is neutral and non-polar, at codon 1617 of the TSC2 protein (p.Ala1617Val). This variant is not present in population databases (gnomAD no frequency). This variant has not been reported in the literature in individuals affected with TSC2-related conditions. ClinVar contains an entry for this variant (Variation ID: 1519622). An algorithm developed to predict the effect of missense changes on protein structure and function (PolyPhen-2) suggests that this variant is likely to be disruptive. In summary, the available evidence is currently insufficient to determine the role of this variant in disease. Therefore, it has been classified as a Variant of Uncertain Significance.

Ambry Genetics
Classification: Uncertain significance for Hereditary cancer-predisposing syndrome. Last evaluated: 2021-11-05. Review status: criteria provided, single submitter. Criteria: Ambry Variant Classification Scheme 2023. Collection method: clinical testing. Allele origin: germline.
Comment: The p.A1617V variant (also known as c.4850C>T) is located in coding exon 37 of the TSC2 gene. The alanine at codon 1617 is replaced by valine, an amino acid with similar properties. This change occurs in the first base pair of coding exon 37. This amino acid position is well conserved in available vertebrate species. In addition, the in silico prediction for this alteration is inconclusive. Since supporting evidence is limited at this time, the clinical significance of this alteration remains unclear.